The following is an entry in ClinVar:

ClinVar aggregate classification (germline): Pathogenic. Review status: reviewed by expert panel (3 of 4 stars). 4 submissions from 4 submitters: Pathogenic (1). 3 of the submissions do not count toward it. Last evaluated 2017-03-17.

Conditions:
CFTR-related disorder (CFTR-RD). Also called: CFTR-related condition; CFTR-related disorders. Identifiers: MedGen C5924204, MONDO:7770004.
Cystic fibrosis (CF). Also called: MUCOVISCIDOSIS. Identifiers: Orphanet 586, MedGen C0010674, MONDO:0009061, OMIM 219700. Disease mechanism: loss of function.

Submissions (4):

CFTR2
Classification: Pathogenic for Cystic fibrosis. Last evaluated: 2017-03-17. Review status: reviewed by expert panel. Criteria: Sosnay PR et al. (Nat Genet 2013). Collection method: research. Allele origin: germline. Affected: yes. Study: CFTR2.

Labcorp Genetics (formerly Invitae), Labcorp
Classification: Pathogenic for Cystic fibrosis. Last evaluated: 2021-06-06. Review status: criteria provided, single submitter. Criteria: Invitae Variant Classification Sherloc (09022015). Collection method: clinical testing. Allele origin: germline. Not counted in ClinVar's aggregate classification.
Comment: For these reasons, this variant has been classified as Pathogenic. This sequence change creates a premature translational stop signal (p.Ile748Serfs*28) in the CFTR gene. It is expected to result in an absent or disrupted protein product. Loss-of-function variants in CFTR are known to be pathogenic (PMID: 1695717, 7691345, 9725922). This variant is not present in population databases (ExAC no frequency). This variant has been observed in individual(s) with cystic fibrosis (PMID: 7689898). ClinVar contains an entry for this variant (Variation ID: 487377).

CFTR-France
Classification: Pathogenic for cystic fibrosis. Last evaluated: 2018-01-29. Review status: criteria provided, single submitter. Criteria: Claustres M et al. (Hum Mutat 2017). Collection method: curation. Allele origin: germline. Affected: yes. Not counted in ClinVar's aggregate classification.

Natera, Inc.
Classification: Pathogenic for CFTR-related disorders. Last evaluated: 2017-03-17. Review status: no assertion criteria provided. Collection method: clinical testing. Allele origin: germline. Not counted in ClinVar's aggregate classification.

Literature cited by the submitters: PubMed 1695717 (cited by Labcorp Genetics (formerly Invitae), Labcorp); PubMed 7691345 (cited by Labcorp Genetics (formerly Invitae), Labcorp); PubMed 9725922 (cited by Labcorp Genetics (formerly Invitae), Labcorp); PubMed 7689898 (cited by Labcorp Genetics (formerly Invitae), Labcorp).

NM_000492.4(CFTR):c.2241_2248del (p.Ile748fs)

Gene: CFTR (CF transmembrane conductance regulator; plus strand). Cytogenetic location: 7q31.2.
Variant type: Deletion.
Coding change: c.2241_2248del on transcript NM_000492.4 (MANE Select); coding-DNA positions 2241 to 2248, 8 bases deleted (GATACTGC; older notation c.2241_2248delGATACTGC).
Protein change: p.Ile748fs; shifts the reading frame from isoleucine 748.
Molecular consequence: frameshift variant.
Genome position (GRCh38, 1-based): chr7:117,592,408-117,592,415, GATACTGC deleted; deleting any 8 consecutive bases within chr7:117,592,406-117,592,415 gives the same sequence; the c. name uses the placement nearest the transcript's 3' end. VCF-style (leftmost placement, unchanged base first): chr7-117592405-GGCGATACT-G. GRCh37 (hg19) VCF-style: chr7-117232459-GGCGATACT-G.
Other names: c.2241_2248delGATACTGC (NM_000492.3); short protein forms I748fs.
Identifiers: ClinVar variation 487377 (VCV000487377.10), dbSNP rs397508355, ClinGen allele CA326774.
Genomic context (GRCh38, chr7:117,592,405, plus strand): 5'-GGATTCTGATGAGCCTTTAGAGAGAAGGCTGTCCTTAGTACCAGATTCTGAGCAGGGAGA[GGCGATACT>G]GCCTCGCATCAGCGTGATCAGCACTGGCCCCACGCTTCAGGCACGAAGGAGGCAGTCTGT-3'